The following is an entry in ClinVar:

ClinVar aggregate classification (germline): Uncertain significance (1 of 4 stars; one submission).

Conditions:
HYPERHOMOCYSTEINEMIA, THROMBOTIC, CBS-RELATED. Identifiers: MedGen C3150344, OMIM 236200.

Submission:

Labcorp Genetics (formerly Invitae), Labcorp
Classification: Uncertain significance for HYPERHOMOCYSTEINEMIA, THROMBOTIC, CBS-RELATED. Last evaluated: 2022-06-09. Review status: criteria provided, single submitter. Criteria: Invitae Variant Classification Sherloc (09022015). Collection method: clinical testing. Allele origin: germline.
Comment: This sequence change falls in intron 16 of the CBS gene. It does not directly change the encoded amino acid sequence of the CBS protein. It affects a nucleotide within the consensus splice site. This variant is not present in population databases (gnomAD no frequency). This variant has not been reported in the literature in individuals affected with CBS-related conditions. Variants that disrupt the consensus splice site are a relatively common cause of aberrant splicing (PMID: 17576681, 9536098). Algorithms developed to predict the effect of sequence changes on RNA splicing suggest that this variant may disrupt the consensus splice site. In summary, the available evidence is currently insufficient to determine the role of this variant in disease. Therefore, it has been classified as a Variant of Uncertain Significance.

Literature cited by the submitters: PubMed 17576681; PubMed 9536098.

NM_000071.3(CBS):c.1552+5G>A

Gene: CBS (cystathionine beta-synthase; minus strand). Cytogenetic location: 21q22.3.
Variant type: single nucleotide variant.
Coding change: c.1552+5G>A on transcript NM_000071.3 (MANE Select); 5 bases into the intron after coding-DNA position 1552, G replaced by A.
Molecular consequence: intron variant.
Genome position (GRCh38, 1-based): chr21:43,056,798, C>T on the plus strand (G>A on the coding strand, the complement: CBS is on the minus strand). VCF-style: chr21-43056798-C-T. GRCh37 (hg19) VCF-style: chr21-44476908-C-T.
Other names: c.1552+5G>A (NM_001320298.2, NM_001178009.3, NM_001178008.3); c.1237+5G>A (NM_001321072.1).
Identifiers: ClinVar variation 2164883 (VCV002164883.1), dbSNP rs2517381949, ClinGen allele CA2580098727.